The following is an entry in ClinVar:

NM_000321.3(RB1):c.1951T>A (p.Tyr651Asn)

Gene: RB1 (RB transcriptional corepressor 1; plus strand). Cytogenetic location: 13q14.2.
Variant type: single nucleotide variant.
Coding change: c.1951T>A on transcript NM_000321.3 (MANE Select); coding-DNA position 1951, T replaced by A.
Protein change: p.Tyr651Asn; replaces tyrosine 651 with asparagine.
Molecular consequence: missense variant.
Genome position (GRCh38, 1-based): chr13:48,456,340, T>A. VCF-style: chr13-48456340-T-A. GRCh37 (hg19) VCF-style: chr13-49030476-T-A.
Other names: c.1951T>A, p.Tyr651Asn (NM_001407165.1); short protein forms Y651N.
Identifiers: ClinVar variation 3787268 (VCV003787268.1).

ClinVar aggregate classification (germline): Uncertain significance (1 of 4 stars; one submission).

Conditions:
Hereditary cancer-predisposing syndrome. Also called: Neoplastic Syndromes, Hereditary; Hereditary Cancer Syndrome; Tumor predisposition; Hereditary neoplastic syndrome. Identifiers: Orphanet 140162, MedGen C0027672, MeSH D009386, MONDO:0015356.

Submission:

Ambry Genetics
Classification: Uncertain significance for Hereditary cancer-predisposing syndrome. Last evaluated: 2024-12-18. Review status: criteria provided, single submitter. Criteria: Ambry Variant Classification Scheme 2023. Collection method: clinical testing. Allele origin: germline.
Comment: The p.Y651N variant (also known as c.1951T>A), located in coding exon 19 of the RB1 gene, results from a T to A substitution at nucleotide position 1951. The tyrosine at codon 651 is replaced by asparagine, an amino acid with dissimilar properties. This amino acid position is conserved. In addition, this alteration is predicted to be deleterious by in silico analysis. Based on the available evidence, the clinical significance of this variant remains unclear.